The following is an entry in ClinVar:

ClinVar aggregate classification (germline): Conflicting classifications of pathogenicity. Review status: criteria provided, conflicting classifications (1 of 4 stars). 3 submissions from 3 submitters: Pathogenic (1); Likely pathogenic (1); Uncertain significance (1). Last evaluated 2026-04-20.

Conditions:
KCNQ4-related disorder. Also called: KCNQ4-related condition.

Allele frequency attached by ClinVar (database versions not stated): gnomAD exomes below 0.00001.
gnomAD v4.1: 4 of 1,614,036 alleles (0.00025%); highest among the groups gnomAD compares: Non-Finnish European, 0.00034%; no homozygotes.

Submissions (3):

GeneDx
Classification: Likely pathogenic. Last evaluated: 2026-04-20. Review status: criteria provided, single submitter. Criteria: GeneDx Variant Classification Process June 2021. Collection method: clinical testing. Allele origin: germline.
Comment: Not observed at significant frequency in large population cohorts (gnomAD); In silico analysis supports that this missense variant has a deleterious effect on protein structure/function; This variant is associated with the following publications: (PMID: 23750663, 30311386, 23717403, 26969326, 34599366, 33297549, 33846771)

PreventionGenetics, part of Exact Sciences
Classification: Pathogenic for KCNQ4-related condition. Last evaluated: 2026-02-27. Review status: criteria provided, single submitter. Criteria: ACMG Guidelines, 2015. Collection method: clinical testing. Allele origin: germline.
Comment: The KCNQ4 c.857A>G variant is predicted to result in the amino acid substitution p.Tyr286Cys. This variant was reported in two unrelated individuals with hearing loss (Table S3, Sloan-Heggen et al. 2016. PubMed ID: 26969326; García-García et al. 2020. PubMed ID: 33297549). Additionally, this variant has been reported to segregate with autosomal dominant, progressive, post‑lingual, non‑syndromic sensorineural hearing loss in seven affected and four unaffected individuals from a three generation family (Li et al. 2021. PubMed ID: 33846771). The KCNQ4 pore forming region (amino acids 270 – 297) is considered a mutational hotspot due to intolerance to missense variation in the general population and enrichment of pathogenic missense variants in patients with autosomal dominant hearing loss (ClinGen Hearing Loss Variant Curation Expert Panel, Oza et al. 2018. PubMed ID: 30311386; Naito et al. 2013. PubMed ID: 23717403). This variant has not been reported in a large population database (gnomAD), indicating this variant is rare. This variant is interpreted as pathogenic.

Laboratory for Molecular Medicine, Mass General Brigham Personalized Medicine
Classification: Uncertain significance. Last evaluated: 2016-03-03. Review status: criteria provided, single submitter. Criteria: LMM Criteria. Collection method: clinical testing. Allele origin: germline. Observed: 2 variant alleles.
Comment: The p.Tyr286Cys variant in KCNQ4 has not been previously reported in individuals with hearing loss and was absent from large population studies. Computational p rediction tools and conservation analysis suggest that this variant may impact t he protein. In addition, this variant occurs in the highly conserved pore formin g region (P-loop) of the KCNQ4 protein, and several causative missense variants in this region have been reported in affected families and were shown to impact normal protein function (Gao 2013). However, this information is not predictive enough to determine pathogenicity for this variant. In summary, the clinical sig nificance of the p.Tyr286Cys variant is uncertain.

Literature cited by the submitters: PubMed 23750663 (cited by Laboratory for Molecular Medicine, Mass General Brigham Personalized Medicine).

NM_004700.4(KCNQ4):c.857A>G (p.Tyr286Cys)

Gene: KCNQ4 (potassium voltage-gated channel subfamily Q member 4; plus strand). Cytogenetic location: 1p34.2.
Variant type: single nucleotide variant.
Coding change: c.857A>G on transcript NM_004700.4 (MANE Select); coding-DNA position 857, A replaced by G.
Protein change: p.Tyr286Cys; replaces tyrosine 286 with cysteine.
Molecular consequence: missense variant.
Genome position (GRCh38, 1-based): chr1:40,819,897, A>G. VCF-style: chr1-40819897-A-G. GRCh37 (hg19) VCF-style: chr1-41285569-A-G.
Other names: c.857A>G, p.Tyr286Cys (NM_172163.3); short protein forms Y286C.
Identifiers: ClinVar variation 228776 (VCV000228776.6), dbSNP rs876657841, ClinGen allele CA10576424.
Genomic context (GRCh38, chr1:40,819,897, plus strand): 5'-CGTGACCAGTCCTGCCTGTAACCTGTTTGTGTCTCCAGATTACATTGACAACCATCGGCT[A>G]TGGTGACAAGACACCGCACACATGGCTGGGCAGGGTCCTGGCTGCTGGCTTCGCCTTACT-3'
Protein context (NP_004691.2, residues 276-296): WGTITLTTIG[Tyr286Cys]GDKTPHTWLG